The following is an entry in ClinVar:

ClinVar aggregate classification (germline): Conflicting classifications of pathogenicity. Review status: criteria provided, conflicting classifications (1 of 4 stars). 3 submissions from 3 submitters: Uncertain significance (1); Likely benign (1). 1 of the submissions does not count toward it. Last evaluated 2025-02-17.

Conditions:
Epidermolysis bullosa dystrophica. Also called: Dystrophic epidermolysis bullosa, Hallopeau-Siemens type (formerly); Dystrophic epidermolysis bullosa. Identifiers: Orphanet 303, MedGen C0079294, MONDO:0006543.
COL7A1-related disorder. Also called: COL7A1-related condition; COL7A1- related disorders.

Allele frequency attached by ClinVar (database versions not stated): TOPMed 0.00003; gnomAD exomes 0.00004; ExAC 0.00005; gnomAD 0.00007 and 0.00009; ESP Exome Variant Server 0.00015.
gnomAD v4.1: 67 of 1,613,790 alleles (0.0042%); highest among the groups gnomAD compares: Non-Finnish European, 0.004%; no homozygotes.

Submissions (3):

Labcorp Genetics (formerly Invitae), Labcorp
Classification: Likely benign. Last evaluated: 2025-02-17. Review status: criteria provided, single submitter. Criteria: Invitae Variant Classification Sherloc (09022015). Collection method: clinical testing. Allele origin: germline.

Illumina Laboratory Services, Illumina
Classification: Uncertain significance for Dystrophic epidermolysis bullosa. Last evaluated: 2018-01-13. Review status: criteria provided, single submitter. Criteria: ICSL Variant Classification Criteria 13 December 2019. Collection method: clinical testing. Allele origin: germline.

PreventionGenetics, part of Exact Sciences
Classification: Likely benign for COL7A1-related condition. Last evaluated: 2019-08-07. Review status: no assertion criteria provided. Collection method: clinical testing. Allele origin: germline. Not counted in ClinVar's aggregate classification.
Comment: This variant is classified as likely benign based on ACMG/AMP sequence variant interpretation guidelines (Richards et al. 2015 PMID: 25741868, with internal and published modifications).

NM_000094.4(COL7A1):c.6394-9T>C

Gene: COL7A1 (collagen type VII alpha 1 chain; minus strand). Cytogenetic location: 3p21.31.
Variant type: single nucleotide variant.
Coding change: c.6394-9T>C on transcript NM_000094.4 (MANE Select); 9 bases into the intron before coding-DNA position 6394, T replaced by C.
Molecular consequence: intron variant.
Genome position (GRCh38, 1-based): chr3:48,574,559, A>G on the plus strand (T>C on the coding strand, the complement: COL7A1 is on the minus strand). VCF-style: chr3-48574559-A-G. GRCh37 (hg19) VCF-style: chr3-48611992-A-G.
Identifiers: ClinVar variation 345820 (VCV000345820.14), dbSNP rs374698863, ClinGen allele CA2379062.
Genomic context (GRCh38, chr3:48,574,559, plus strand): 5'-CCTGACCCCTCGGTCCAGGCTCTCCCCGGTCTCCTTTGATGCCTGGCACACCCTGAAGGC[A>G]GAGTGTCGTGCCCTGAGCCCCCAGTCCCTGCCACGTGCCCAGGTGCATATGCACACCACC-3'